The following is an entry in ClinVar:

ClinVar aggregate classification (germline): Uncertain significance (1 of 4 stars; one submission).

Conditions:
Oto-palato-digital syndrome, type II (OPD2). Also called: FACIOPALATOOSSEOUS SYNDROME; OPD II SYNDROME; Otopalatodigital Syndrome, Type II; Otopalatodigital Syndrome Type 2 (FLNA-OPD2). Identifiers: Orphanet 669, Orphanet 90652, MedGen C1844696, MONDO:0010571, OMIM 304120.
Heterotopia, periventricular, X-linked dominant (PVNH1). Also called: PERIVENTRICULAR NODULAR HETEROTOPIA 1; X-linked periventricular heterotopia; PERIVENTRICULAR NODULAR HETEROTOPIA 4; HETEROTOPIA, PERIVENTRICULAR, 1. Identifiers: Orphanet 2149, Orphanet 82004, MedGen C1848213, MONDO:0010233, OMIM 300049.
Frontometaphyseal dysplasia (FMD1). Identifiers: Orphanet 1826, MedGen C0265293, MONDO:0015942.
Melnick-Needles syndrome (MNS). Also called: MELNICK-NEEDLES OSTEODYSPLASTY; OSTEODYSPLASTY OF MELNICK AND NEEDLES; Melnick-Needles Syndrome (FLNA-MNS). Identifiers: Orphanet 2484, MedGen C0025237, MONDO:0010650, OMIM 309350.

Allele frequency attached by ClinVar (database versions not stated): gnomAD 0.00001.

Submission:

Labcorp Genetics (formerly Invitae), Labcorp
Classification: Uncertain significance for Oto-palato-digital syndrome, type II; Heterotopia, periventricular, X-linked dominant; Frontometaphyseal dysplasia; Melnick-Needles syndrome. Last evaluated: 2024-06-19. Review status: criteria provided, single submitter. Criteria: Invitae Variant Classification Sherloc (09022015). Collection method: clinical testing. Allele origin: germline.
Comment: This sequence change replaces threonine, which is neutral and polar, with isoleucine, which is neutral and non-polar, at codon 1276 of the FLNA protein (p.Thr1276Ile). This variant is not present in population databases (gnomAD no frequency). This variant has not been reported in the literature in individuals affected with FLNA-related conditions. Advanced modeling of protein sequence and biophysical properties (such as structural, functional, and spatial information, amino acid conservation, physicochemical variation, residue mobility, and thermodynamic stability) performed at Invitae indicates that this missense variant is not expected to disrupt FLNA protein function with a negative predictive value of 95%. In summary, the available evidence is currently insufficient to determine the role of this variant in disease. Therefore, it has been classified as a Variant of Uncertain Significance.

NM_001110556.2(FLNA):c.3827C>T (p.Thr1276Ile)

Gene: FLNA (filamin A; minus strand). Cytogenetic location: Xq28.
Variant type: single nucleotide variant.
Coding change: c.3827C>T on transcript NM_001110556.2 (MANE Select); coding-DNA position 3827, C replaced by T.
Protein change: p.Thr1276Ile; replaces threonine 1276 with isoleucine.
Molecular consequence: missense variant.
Genome position (GRCh38, 1-based): chrX:154,359,884, G>A on the plus strand (C>T on the coding strand, the complement: FLNA is on the minus strand). VCF-style: chrX-154359884-G-A. GRCh37 (hg19) VCF-style: chrX-153588252-G-A.
Other names: c.3827C>T, p.Thr1276Ile (NM_001456.4); short protein forms T1276I.
Identifiers: ClinVar variation 2933922 (VCV002933922.3), dbSNP rs1383318856, ClinGen allele CA415222346.